The following is an entry in ClinVar:

NM_007348.4(ATF6):c.347A>G (p.His116Arg)

Gene: ATF6 (activating transcription factor 6; plus strand). Cytogenetic location: 1q23.3.
Variant type: single nucleotide variant.
Coding change: c.347A>G on transcript NM_007348.4 (MANE Select); coding-DNA position 347, A replaced by G.
Protein change: p.His116Arg; replaces histidine 116 with arginine.
Molecular consequence: missense variant.
Genome position (GRCh38, 1-based): chr1:161,784,089, A>G. VCF-style: chr1-161784089-A-G. GRCh37 (hg19) VCF-style: chr1-161753879-A-G.
Other names: c.347A>G, p.His116Arg (NM_001410890.1); short protein forms H116R.
Identifiers: ClinVar variation 2004684 (VCV002004684.4), dbSNP rs371893818, ClinGen allele CA31728417.

ClinVar aggregate classification (germline): Uncertain significance (1 of 4 stars; one submission).

Allele frequency attached by ClinVar (database versions not stated): gnomAD 0.00001; TOPMed 0.00001; ESP Exome Variant Server 0.00008.
gnomAD v4.1: 1 of 1,608,874 alleles (0.000062%); highest among the groups gnomAD compares: African/African-American, 0.0013%; no homozygotes.

Submission:

Labcorp Genetics (formerly Invitae), Labcorp
Classification: Uncertain significance. Last evaluated: 2022-06-22. Review status: criteria provided, single submitter. Criteria: Invitae Variant Classification Sherloc (09022015). Collection method: clinical testing. Allele origin: germline.
Comment: This sequence change replaces histidine, which is basic and polar, with arginine, which is basic and polar, at codon 116 of the ATF6 protein (p.His116Arg). In summary, the available evidence is currently insufficient to determine the role of this variant in disease. Therefore, it has been classified as a Variant of Uncertain Significance. Algorithms developed to predict the effect of missense changes on protein structure and function (SIFT, PolyPhen-2, Align-GVGD) all suggest that this variant is likely to be tolerated. This variant has not been reported in the literature in individuals affected with ATF6-related conditions. This variant is not present in population databases (gnomAD no frequency).